The following is an entry in ClinVar:

ClinVar aggregate classification (germline): Pathogenic (1 of 4 stars; one submission).

Conditions:
Bardet-Biedl syndrome (BBS). Identifiers: Orphanet 110, MedGen C0752166, MONDO:0015229.

Submission:

Labcorp Genetics (formerly Invitae), Labcorp
Classification: Pathogenic for Bardet-Biedl syndrome. Last evaluated: 2022-02-10. Review status: criteria provided, single submitter. Criteria: Invitae Variant Classification Sherloc (09022015). Collection method: clinical testing. Allele origin: germline.
Comment: For these reasons, this variant has been classified as Pathogenic. ClinVar contains an entry for this variant (Variation ID: 1075990). This variant has not been reported in the literature in individuals affected with WDPCP-related conditions. This variant is not present in population databases (gnomAD no frequency). This sequence change creates a premature translational stop signal (p.Tyr584Serfs*5) in the WDPCP gene. It is expected to result in an absent or disrupted protein product. Loss-of-function variants in WDPCP are known to be pathogenic (PMID: 20671153, 25427950, 27158779).

Literature cited by the submitters: PubMed 20671153; PubMed 25427950; PubMed 27158779.

NM_015910.7(WDPCP):c.1751_1773del (p.Tyr584fs)

Gene: WDPCP (WD repeat containing planar cell polarity effector; minus strand). Cytogenetic location: 2p15.
Variant type: Deletion.
Coding change: c.1751_1773del on transcript NM_015910.7 (MANE Select); coding-DNA positions 1751 to 1773, 23 bases deleted (ACCAGAGGTTTGAAAAGGCATTT).
Protein change: p.Tyr584fs; shifts the reading frame from tyrosine 584.
Molecular consequence: frameshift variant. On other transcripts: non-coding transcript variant (3).
Genome position (GRCh38, 1-based): chr2:63,313,287-63,313,309, AAATGCCTTTTCAAACCTCTGGT deleted on the plus strand (ACCAGAGGTTTGAAAAGGCATTT on the coding strand, the reverse complement: WDPCP is on the minus strand); deleting any 23 consecutive bases within chr2:63,313,287-63,313,310 gives the same sequence; the c. name uses the placement nearest the transcript's 3' end. VCF-style (leftmost placement, unchanged base first): chr2-63313286-GAAATGCCTTTTCAAACCTCTGGT-G. GRCh37 (hg19) VCF-style: chr2-63540421-GAAATGCCTTTTCAAACCTCTGGT-G.
Other names: c.1274_1296del, p.Tyr425fs (NM_001042692.3); c.1679_1701del, p.Tyr560fs (NM_001354044.2); short protein forms Y425fs, Y560fs, Y584fs.
Identifiers: ClinVar variation 1075990 (VCV001075990.7), dbSNP rs2103954534, ClinGen allele CA2499216179.